The following is an entry in ClinVar:

NM_001783.4(CD79A):c.379+1G>A

Genes: CD79A (CD79a molecule; plus strand), RPS19-CD79A (RPS19-CD79A readthrough; plus strand). Cytogenetic location: 19q13.2.
Variant type: single nucleotide variant.
Coding change: c.379+1G>A on transcript NM_001783.4 (MANE Select); the canonical splice donor site of the intron after coding-DNA position 379, G replaced by A.
Molecular consequence: splice donor variant. On other transcripts: intron variant (1).
Genome position (GRCh38, 1-based): chr19:41,879,290, G>A. VCF-style: chr19-41879290-G-A. GRCh37 (hg19) VCF-style: chr19-42383360-G-A.
Other names: IVS2DS, G-A, +1; c.265+115G>A (NM_021601.4).
Identifiers: ClinVar variation 17707 (VCV000017707.9), dbSNP rs1555843601, ClinGen allele CA406034728.

ClinVar aggregate classification (germline): Likely pathogenic. Review status: criteria provided, single submitter (1 of 4 stars). 2 submissions from 2 submitters: Likely pathogenic (1). 1 of the submissions does not count toward it. Last evaluated 2023-01-19.

Conditions:
Agammaglobulinemia 3, autosomal recessive (AGM3). Also called: AGAMMAGLOBULINEMIA 3; AGAMMAGLOBULINEMIA, AUTOSOMAL RECESSIVE, DUE TO CD79A DEFECT. Identifiers: MedGen C3150751, MONDO:0013288, OMIM 613501.

Allele frequency attached by ClinVar (database versions not stated): TOPMed below 0.00001.

Submissions (2):

Labcorp Genetics (formerly Invitae), Labcorp
Classification: Likely pathogenic for Agammaglobulinemia 3, autosomal recessive. Last evaluated: 2023-01-19. Review status: criteria provided, single submitter. Criteria: Invitae Variant Classification Sherloc (09022015). Collection method: clinical testing. Allele origin: germline.
Comment: Algorithms developed to predict the effect of sequence changes on RNA splicing suggest that this variant may disrupt the consensus splice site. ClinVar contains an entry for this variant (Variation ID: 17707). Disruption of this splice site has been observed in individual(s) with agammaglobulinemia (PMID: 11920841, 34060650). This variant is not present in population databases (gnomAD no frequency). This sequence change affects a donor splice site in intron 2 of the CD79A gene. It is expected to disrupt RNA splicing. Variants that disrupt the donor or acceptor splice site typically lead to a loss of protein function (PMID: 16199547), and loss-of-function variants in CD79A are known to be pathogenic (PMID: 10525050, 24481606). In summary, the currently available evidence indicates that the variant is pathogenic, but additional data are needed to prove that conclusively. Therefore, this variant has been classified as Likely Pathogenic.

OMIM
Classification: Pathogenic for AGAMMAGLOBULINEMIA 3. Last evaluated: 2002-04-01. Review status: no assertion criteria provided. Collection method: literature only. Allele origin: germline. Not counted in ClinVar's aggregate classification.

Literature cited by the submitters: PubMed 11920841 (cited by Labcorp Genetics (formerly Invitae), Labcorp and OMIM); PubMed 34060650 (cited by Labcorp Genetics (formerly Invitae), Labcorp); PubMed 16199547 (cited by Labcorp Genetics (formerly Invitae), Labcorp); PubMed 10525050 (cited by Labcorp Genetics (formerly Invitae), Labcorp); PubMed 24481606 (cited by Labcorp Genetics (formerly Invitae), Labcorp).